The following is an entry in ClinVar:

NM_018127.7(ELAC2):c.2409G>A (p.Leu803=)

Gene: ELAC2 (elaC ribonuclease Z 2; minus strand). Cytogenetic location: 17p12.
Variant type: single nucleotide variant.
Coding change: c.2409G>A on transcript NM_018127.7 (MANE Select); coding-DNA position 2409, G replaced by A.
Protein change: p.Leu803=; no amino-acid change (leucine 803 retained).
Molecular consequence: synonymous variant.
Genome position (GRCh38, 1-based): chr17:12,992,890, C>T on the plus strand (G>A on the coding strand, the complement: ELAC2 is on the minus strand). VCF-style: chr17-12992890-C-T. GRCh37 (hg19) VCF-style: chr17-12896207-C-T.
Other names: c.2289G>A, p.Leu763= (NM_001165962.2); c.2406G>A, p.Leu802= (NM_173717.2).
Identifiers: ClinVar variation 516751 (VCV000516751.10), dbSNP rs201700166, ClinGen allele CA8400802.

ClinVar aggregate classification (germline): Likely benign. Review status: criteria provided, multiple submitters, no conflicts (2 of 4 stars). 4 submissions from 4 submitters: Likely benign (4). Last evaluated 2026-01-06.

Conditions:
Combined oxidative phosphorylation defect type 17. Also called: Combined oxidative phosphorylation deficiency 17. Identifiers: Orphanet 369913, MedGen C3809526, MONDO:0014190, OMIM 615440.

Allele frequency attached by ClinVar (database versions not stated): gnomAD exomes 0.00014 and 0.00016; TOPMed 0.00014; 1000 Genomes Project 30x 0.00016; ExAC 0.00017; 1000 Genomes Project 0.00020; gnomAD 0.00022; ESP Exome Variant Server 0.00031.
gnomAD v4.1: 229 of 1,612,652 alleles (0.014%); highest among the groups gnomAD compares: Admixed American, 0.05%; 2 homozygotes.

Submissions (4):

Labcorp Genetics (formerly Invitae), Labcorp
Classification: Likely benign for Combined oxidative phosphorylation defect type 17. Last evaluated: 2026-01-06. Review status: criteria provided, single submitter. Criteria: Invitae Variant Classification Sherloc (09022015). Collection method: clinical testing. Allele origin: germline.

Blueprint Genetics
Classification: Likely benign. Last evaluated: 2024-09-01. Review status: criteria provided, single submitter. Criteria: ACMG Guidelines, 2015. Collection method: clinical testing. Allele origin: germline.

GeneDx
Classification: Likely benign. Last evaluated: 2018-03-08. Review status: criteria provided, single submitter. Criteria: GeneDx Variant Classification (06012015). Collection method: clinical testing. Allele origin: germline. Affected: yes.
Comment: This variant is considered likely benign or benign based on one or more of the following criteria: it is a conservative change, it occurs at a poorly conserved position in the protein, it is predicted to be benign by multiple in silico algorithms, and/or has population frequency not consistent with disease.

Breakthrough Genomics
Classification: Likely benign. Review status: criteria provided, single submitter. Criteria: ACMG Guidelines, 2015. Collection method: not provided. Allele origin: germline. Inheritance: Autosomal recessive inheritance. Affected: yes.